The following is an entry in ClinVar:

NM_001621.5(AHR):c.2453T>A (p.Ile818Lys)

Gene: AHR (aryl hydrocarbon receptor; plus strand). Cytogenetic location: 7p21.1.
Variant type: single nucleotide variant.
Coding change: c.2453T>A on transcript NM_001621.5 (MANE Select); coding-DNA position 2453, T replaced by A.
Protein change: p.Ile818Lys; replaces isoleucine 818 with lysine.
Molecular consequence: missense variant.
Genome position (GRCh38, 1-based): chr7:17,342,970, T>A. VCF-style: chr7-17342970-T-A. GRCh37 (hg19) VCF-style: chr7-17382594-T-A.
Other names: short protein forms I818K.
Identifiers: ClinVar variation 3681289 (VCV003681289.2).

ClinVar aggregate classification (germline): Uncertain significance (1 of 4 stars; one submission).

gnomAD v4.1: 2 of 1,613,496 alleles (0.00012%); highest among the groups gnomAD compares: Middle Eastern, 0.016%; no homozygotes.

Submission:

Labcorp Genetics (formerly Invitae), Labcorp
Classification: Uncertain significance. Last evaluated: 2024-04-03. Review status: criteria provided, single submitter. Criteria: Invitae Variant Classification Sherloc (09022015). Collection method: clinical testing. Allele origin: germline.
Comment: This sequence change replaces isoleucine, which is neutral and non-polar, with lysine, which is basic and polar, at codon 818 of the AHR protein (p.Ile818Lys). This variant is not present in population databases (gnomAD no frequency). This variant has not been reported in the literature in individuals affected with AHR-related conditions. An algorithm developed to predict the effect of missense changes on protein structure and function (PolyPhen-2) suggests that this variant is likely to be tolerated. In summary, the available evidence is currently insufficient to determine the role of this variant in disease. Therefore, it has been classified as a Variant of Uncertain Significance.